The following is an entry in ClinVar:

ClinVar aggregate classification (germline): Conflicting classifications of pathogenicity. Review status: criteria provided, conflicting classifications (1 of 4 stars). 3 submissions from 3 submitters: Uncertain significance (2); Likely benign (1). Last evaluated 2025-03-18.

Conditions:
Cardiovascular phenotype. Identifiers: MedGen CN230736.
Hypertrophic cardiomyopathy. Also called: HYPERTROPHIC MYOCARDIOPATHY. Identifiers: Orphanet 217569, MedGen C0007194, MeSH D002312, MONDO:0005045, HP:0001639.

Allele frequency attached by ClinVar (database versions not stated): gnomAD exomes below 0.00001; TOPMed below 0.00001; gnomAD 0.00001.
gnomAD v4.1: 7 of 1,541,766 alleles (0.00045%); highest among the groups gnomAD compares: Non-Finnish European, 0.00061%; no homozygotes.

Submissions (3):

Labcorp Genetics (formerly Invitae), Labcorp
Classification: Uncertain significance for Hypertrophic cardiomyopathy. Last evaluated: 2025-03-18. Review status: criteria provided, single submitter. Criteria: Invitae Variant Classification Sherloc (09022015). Collection method: clinical testing. Allele origin: germline.
Comment: This sequence change replaces glycine, which is neutral and non-polar, with aspartic acid, which is acidic and polar, at codon 456 of the JPH2 protein (p.Gly456Asp). This variant is not present in population databases (gnomAD no frequency). This variant has not been reported in the literature in individuals affected with JPH2-related conditions. ClinVar contains an entry for this variant (Variation ID: 2147717). An algorithm developed to predict the effect of missense changes on protein structure and function outputs the following: PolyPhen-2: "Benign". The aspartic acid amino acid residue is found in multiple mammalian species, which suggests that this missense change does not adversely affect protein function. In summary, the available evidence is currently insufficient to determine the role of this variant in disease. Therefore, it has been classified as a Variant of Uncertain Significance.

Ambry Genetics
Classification: Uncertain significance for Cardiovascular phenotype. Last evaluated: 2023-02-20. Review status: criteria provided, single submitter. Criteria: Ambry Variant Classification Scheme 2023. Collection method: clinical testing. Allele origin: germline.
Comment: The p.G456D variant (also known as c.1367G>A), located in coding exon 4 of the JPH2 gene, results from a G to A substitution at nucleotide position 1367. The glycine at codon 456 is replaced by aspartic acid, an amino acid with similar properties. This amino acid position is conserved. In addition, this alteration is predicted to be tolerated by in silico analysis. Since supporting evidence is limited at this time, the clinical significance of this alteration remains unclear.

Blueprint Genetics
Classification: Likely benign. Last evaluated: 2019-08-14. Review status: criteria provided, single submitter. Criteria: ACMG Guidelines, 2015. Collection method: clinical testing. Allele origin: germline.

NM_020433.5(JPH2):c.1367G>A (p.Gly456Asp)

Gene: JPH2 (junctophilin 2; minus strand). Cytogenetic location: 20q13.12.
Variant type: single nucleotide variant.
Coding change: c.1367G>A on transcript NM_020433.5 (MANE Select); coding-DNA position 1367, G replaced by A.
Protein change: p.Gly456Asp; replaces glycine 456 with aspartic acid.
Molecular consequence: missense variant.
Genome position (GRCh38, 1-based): chr20:44,116,308, C>T on the plus strand (G>A on the coding strand, the complement: JPH2 is on the minus strand). VCF-style: chr20-44116308-C-T. GRCh37 (hg19) VCF-style: chr20-42744948-C-T.
Other names: short protein forms G456D.
Identifiers: ClinVar variation 2147717 (VCV002147717.7), dbSNP rs1472501616, ClinGen allele CA409100773.